The following is an entry in ClinVar:

NM_000381.4(MID1):c.734T>C (p.Ile245Thr)

Gene: MID1 (midline 1; minus strand). Cytogenetic location: Xp22.2.
Variant type: single nucleotide variant.
Coding change: c.734T>C on transcript NM_000381.4 (MANE Select); coding-DNA position 734, T replaced by C.
Protein change: p.Ile245Thr; replaces isoleucine 245 with threonine.
Molecular consequence: missense variant.
Genome position (GRCh38, 1-based): chrX:10,523,114, A>G on the plus strand (T>C on the coding strand, the complement: MID1 is on the minus strand). VCF-style: chrX-10523114-A-G. GRCh37 (hg19) VCF-style: chrX-10491154-A-G.
Other names: c.734T>C, p.Ile245Thr (NM_001098624.2, NM_001193277.1, NM_001193278.1 and 3 more transcripts); c.620T>C, p.Ile207Thr (NM_001193280.1, NM_033289.2); short protein forms I207T, I245T.
Identifiers: ClinVar variation 3375841 (VCV003375841.1).

ClinVar aggregate classification (germline): Uncertain significance (1 of 4 stars; one submission).

Submission:

GeneDx
Classification: Uncertain significance. Last evaluated: 2024-05-01. Review status: criteria provided, single submitter. Criteria: GeneDx Variant Classification Process June 2021. Collection method: clinical testing. Allele origin: germline. Affected: yes.
Comment: Has not been previously published as pathogenic or benign to our knowledge; Not observed at significant frequency in large population cohorts (gnomAD); In silico analysis indicates that this missense variant does not alter protein structure/function